The following is an entry in ClinVar:

NM_018026.4(PACS1):c.838GAAGAG[3] (p.Glu283_Ser284insGluGlu)

Gene: PACS1 (phosphofurin acidic cluster sorting protein 1; plus strand). Cytogenetic location: 11q13.2.
Variant type: Microsatellite.
Coding change: c.838GAAGAG[3] on transcript NM_018026.4 (MANE Select); three copies in a row of the 6-base unit GAAGAG starting at c.838; the reference has two copies in a row; one copy, 6 bases duplicated.
Protein change: p.Glu283_Ser284insGluGlu.
Molecular consequence: inframe insertion.
Genome position (GRCh38, 1-based): chr11:66,216,558-66,216,563, GAAGAG duplicated; duplicating any 6 consecutive bases within chr11:66,216,549-66,216,563 gives the same sequence; the position shown is the placement nearest the transcript's 3' end. VCF-style (leftmost placement, unchanged base first): chr11-66216548-T-TGAGGAA. GRCh37 (hg19) VCF-style: chr11-65984019-T-TGAGGAA.
Identifiers: ClinVar variation 3255503 (VCV003255503.1), dbSNP rs2495550787.

ClinVar aggregate classification (germline): Uncertain significance (1 of 4 stars; one submission).

Conditions:
Schuurs-Hoeijmakers syndrome. Also called: PACS1-Related Neurodevelopmental Disorder. Identifiers: Orphanet 329224, MedGen C3554343, MONDO:0014006, OMIM 615009.

Submission:

University of Washington Department of Laboratory Medicine, University of Washington
Classification: Uncertain significance for Schuurs-Hoeijmakers syndrome. Last evaluated: 2023-08-25. Review status: criteria provided, single submitter. Criteria: ACMG Guidelines, 2015. Collection method: clinical testing. Allele origin: germline. Affected: yes.
Comment: The p.Glu282_Glu283dup variant in the PACS1 gene has not been previously reported in association with disease. This variant was absent from large population databases, including the Genome Aggregation Database. The p.Glu282_Glu283dup variant results in an in-frame insertion of two glutamic acid residues in a conserved region containing 5 glutamic acid residues. Using ACMG guidelines, this variant was classified as a variant of uncertain significance (ACMG evidence codes used: PM4_supporting, PM2_supporting).